The following is an entry in ClinVar:

NM_002693.3(POLG):c.1976A>G (p.His659Arg)

Gene: POLG (DNA polymerase gamma, catalytic subunit; minus strand). Cytogenetic location: 15q26.1.
Variant type: single nucleotide variant.
Coding change: c.1976A>G on transcript NM_002693.3 (MANE Select); coding-DNA position 1976, A replaced by G.
Protein change: p.His659Arg; replaces histidine 659 with arginine.
Molecular consequence: missense variant.
Genome position (GRCh38, 1-based): chr15:89,324,201, T>C on the plus strand (A>G on the coding strand, the complement: POLG is on the minus strand). VCF-style: chr15-89324201-T-C. GRCh37 (hg19) VCF-style: chr15-89867432-T-C.
Other names: c.1976A>G, p.His659Arg (NM_001126131.2); short protein forms H659R.
Identifiers: ClinVar variation 2847442 (VCV002847442.3), dbSNP rs1325564562, ClinGen allele CA393757802.

ClinVar aggregate classification (germline): Uncertain significance (1 of 4 stars; one submission).

Conditions:
Progressive sclerosing poliodystrophy (MTDPS4A). Also called: Mitochondrial DNA depletion syndrome 4A (Alpers type); ALPERS PROGRESSIVE INFANTILE POLIODYSTROPHY; NEURONAL DEGENERATION OF CHILDHOOD WITH LIVER DISEASE, PROGRESSIVE; Alpers Syndrome; ALPERS DIFFUSE DEGENERATION OF CEREBRAL GRAY MATTER WITH HEPATIC CIRRHOSIS; Alpers-Huttenlocher Syndrome. Identifiers: Orphanet 726, MedGen C0205710, MONDO:0008758, OMIM 203700.

Submission:

Labcorp Genetics (formerly Invitae), Labcorp
Classification: Uncertain significance for Progressive sclerosing poliodystrophy. Last evaluated: 2023-03-19. Review status: criteria provided, single submitter. Criteria: Invitae Variant Classification Sherloc (09022015). Collection method: clinical testing. Allele origin: germline.
Comment: This variant has not been reported in the literature in individuals affected with POLG-related conditions. This sequence change replaces histidine, which is basic and polar, with arginine, which is basic and polar, at codon 659 of the POLG protein (p.His659Arg). This variant is not present in population databases (gnomAD no frequency). Advanced modeling of protein sequence and biophysical properties (such as structural, functional, and spatial information, amino acid conservation, physicochemical variation, residue mobility, and thermodynamic stability) performed at Invitae indicates that this missense variant is not expected to disrupt POLG protein function. In summary, the available evidence is currently insufficient to determine the role of this variant in disease. Therefore, it has been classified as a Variant of Uncertain Significance.